The following is an entry in ClinVar:

ClinVar aggregate classification (germline): Uncertain significance (1 of 4 stars; one submission).

Conditions:
Inborn genetic diseases. Identifiers: MedGen C0950123, MeSH D030342.

Submission:

Ambry Genetics
Classification: Uncertain significance for Inborn genetic diseases. Last evaluated: 2024-09-24. Review status: criteria provided, single submitter. Criteria: Ambry Variant Classification Scheme 2023. Collection method: clinical testing. Allele origin: germline.
Comment: The p.P1110S variant (also known as c.3328C>T), located in coding exon 16 of the ATR gene, results from a C to T substitution at nucleotide position 3328. The proline at codon 1110 is replaced by serine, an amino acid with similar properties. This amino acid position is conserved. In addition, this alteration is predicted to be tolerated by in silico analysis. Based on the available evidence, the clinical significance of this variant remains unclear.

NM_001184.4(ATR):c.3328C>T (p.Pro1110Ser)

Gene: ATR (ATR serine/threonine kinase; minus strand). Cytogenetic location: 3q23.
Variant type: single nucleotide variant.
Coding change: c.3328C>T on transcript NM_001184.4 (MANE Select); coding-DNA position 3328, C replaced by T.
Protein change: p.Pro1110Ser; replaces proline 1110 with serine.
Molecular consequence: missense variant.
Genome position (GRCh38, 1-based): chr3:142,547,754, G>A on the plus strand (C>T on the coding strand, the complement: ATR is on the minus strand). VCF-style: chr3-142547754-G-A. GRCh37 (hg19) VCF-style: chr3-142266596-G-A.
Other names: c.3136C>T, p.Pro1046Ser (NM_001354579.2); short protein forms P1110S, P1046S.
Identifiers: ClinVar variation 3462805 (VCV003462805.1).
Genomic context (GRCh38, chr3:142,547,754, plus strand): 5'-ACAAAAAAACCTCATAGAACATATTCCTTACCATCAGTTCAGGTGATATGATATCTCTCG[G>A]GCCCTGATATGGATCATCACTGGATGCAAATGAGGCAAGTATTGACAAACCATTAAAAAC-3'
Protein context (NP_001175.2, residues 1100-1120): FASSDDPYQG[Pro1110Ser]RDIISPELMA